The following is an entry in ClinVar:

ClinVar aggregate classification (germline): Uncertain significance (1 of 4 stars; one submission).

Submission:

Labcorp Genetics (formerly Invitae), Labcorp
Classification: Uncertain significance. Last evaluated: 2022-06-30. Review status: criteria provided, single submitter. Criteria: Invitae Variant Classification Sherloc (09022015). Collection method: clinical testing. Allele origin: germline.
Comment: In summary, the available evidence is currently insufficient to determine the role of this variant in disease. Therefore, it has been classified as a Variant of Uncertain Significance. Variants that disrupt the consensus splice site are a relatively common cause of aberrant splicing (PMID: 17576681, 9536098). Algorithms developed to predict the effect of sequence changes on RNA splicing suggest that this variant may create or strengthen a splice site. This variant has not been reported in the literature in individuals affected with TUBA8-related conditions. This variant is present in population databases (rs754688101, gnomAD 0.008%). This sequence change falls in intron 2 of the TUBA8 gene. It does not directly change the encoded amino acid sequence of the TUBA8 protein. It affects a nucleotide within the consensus splice site.

Literature cited by the submitters: PubMed 17576681; PubMed 9536098.

NM_018943.3(TUBA8):c.227-2del

Gene: TUBA8 (tubulin alpha 8; plus strand). Cytogenetic location: 22q11.21.
Variant type: Deletion.
Coding change: c.227-2del on transcript NM_018943.3 (MANE Select); the canonical splice acceptor site of the intron before coding-DNA position 227, one base deleted (A; older notation c.227-2delA).
Molecular consequence: splice acceptor variant.
Genome position (GRCh38, 1-based): chr22:18,124,154, A deleted; the last of 2 consecutive A bases (chr22:18,124,153-18,124,154); deleting either gives the same sequence. VCF-style (leftmost placement, unchanged base first): chr22-18124152-GA-G. GRCh37 (hg19) VCF-style: chr22-18606919-GA-G.
Other names: c.29-2del (NM_001193414.2).
Identifiers: ClinVar variation 1983050 (VCV001983050.4), dbSNP rs754688101, ClinGen allele CA10093623.